The following is an entry in ClinVar:

ClinVar aggregate classification (germline): Uncertain significance (1 of 4 stars; one submission).

Conditions:
Familial adenomatous polyposis 1 (FAP1). Also called: FAMILIAL ADENOMATOUS POLYPOSIS 1, ATTENUATED; POLYPOSIS, ADENOMATOUS INTESTINAL. Identifiers: MedGen C2713442, MONDO:0021056, OMIM 175100. Disease mechanism: loss of function.

Submission:

Labcorp Genetics (formerly Invitae), Labcorp
Classification: Uncertain significance for Familial adenomatous polyposis 1. Last evaluated: 2024-05-31. Review status: criteria provided, single submitter. Criteria: Invitae Variant Classification Sherloc (09022015). Collection method: clinical testing. Allele origin: germline.
Comment: This variant occurs in a non-coding region of the APC gene. It does not change the encoded amino acid sequence of the APC protein. This variant is not present in population databases (gnomAD no frequency). This variant has not been reported in the literature in individuals affected with APC-related conditions. Experimental studies and prediction algorithms are not available or were not evaluated, and the functional significance of this variant is currently unknown. In summary, the available evidence is currently insufficient to determine the role of this variant in disease. Therefore, it has been classified as a Variant of Uncertain Significance.

NM_001127511.3(APC):c.134G>T (p.Arg45Leu)

Gene: APC (APC regulator of Wnt signaling pathway; plus strand). Cytogenetic location: 5q22.2.
Variant type: single nucleotide variant.
Coding change: c.134G>T on transcript NM_001127511.3; coding-DNA position 134, G replaced by T.
Protein change: p.Arg45Leu; replaces arginine 45 with leucine.
Molecular consequence: missense variant. On other transcripts: intron variant (5), 5 prime UTR variant (8), non-coding transcript variant (1).
Genome position (GRCh38, 1-based): chr5:112,707,851, G>T. VCF-style: chr5-112707851-G-T. GRCh37 (hg19) VCF-style: chr5-112043548-G-T.
Other names: c.-43+202G>T (NM_001407453.1); c.-50G>T (NM_001354895.2, NM_001407447.1, NM_001407452.1 and 3 more transcripts); c.134G>T, p.Arg45Leu (NM_001354897.2, NM_001354902.2, NM_001407446.1); c.-1085G>T (NM_001407470.1, NM_001407472.1); c.-19+202G>T (NM_001407448.1, NM_001407450.1, NM_001407457.1 and 1 more transcripts); short protein forms R45L.
Identifiers: ClinVar variation 3655094 (VCV003655094.2).
Genomic context (GRCh38, chr5:112,707,851, plus strand): 5'-GGAGCACCGGCGGCAGCAGGAGCTGCGTCCGGCAGGAGACGAAGAGCCCGGGCGGCGCTC[G>T]TACTTCTGGCCACTGGGCGAGCGTCTGGCAGGTGAGTGAGGCTGCAGGCATTGACGTCTC-3'